The following is an entry in ClinVar:

NM_000642.3(AGL):c.1338T>G (p.Ile446Met)

Gene: AGL (amylo-alpha-1,6-glucosidase and 4-alpha-glucanotransferase; plus strand). Cytogenetic location: 1p21.2.
Variant type: single nucleotide variant.
Coding change: c.1338T>G on transcript NM_000642.3 (MANE Select); coding-DNA position 1338, T replaced by G.
Protein change: p.Ile446Met; replaces isoleucine 446 with methionine.
Molecular consequence: missense variant.
Genome position (GRCh38, 1-based): chr1:99,876,512, T>G. VCF-style: chr1-99876512-T-G. GRCh37 (hg19) VCF-style: chr1-100342068-T-G.
Other names: c.1338T>G, p.Ile446Met (NM_000028.3, NM_000643.3, NM_000644.3 and 2 more transcripts); c.1290T>G, p.Ile430Met (NM_000646.3); c.1137T>G, p.Ile379Met (NM_001425327.1); c.1134T>G, p.Ile378Met (NM_001425328.1, NM_001425329.1); c.960T>G, p.Ile320Met (NM_001425332.1); short protein forms I446M, I430M, I320M, I378M, I379M.
Identifiers: ClinVar variation 2100739 (VCV002100739.4), dbSNP rs2524610672, ClinGen allele CA341346132.
Genomic context (GRCh38, chr1:99,876,512, plus strand): 5'-TCATAGGTATTTTACTTTCCCATTTGAAGAGATAGACTTCTCCATGGAAGAATCTATGAT[T>G]CATCTGCCAAATAAAGCTTGTTTTCTGATGGCACACAATGGATGGGTAATGGGAGATGAT-3'
Protein context (NP_000633.2, residues 436-456): EIDFSMEESM[Ile446Met]HLPNKACFLM

ClinVar aggregate classification (germline): Uncertain significance (1 of 4 stars; one submission).

Conditions:
Glycogen storage disease type III (GSD3). Also called: FORBES DISEASE; Cori disease. Identifiers: Orphanet 366, MedGen C0017922, MONDO:0009291, OMIM 232400.

Allele frequency attached by ClinVar (database versions not stated): gnomAD exomes 0.00001.
gnomAD v4.1: 7 of 1,612,796 alleles (0.00043%); highest among the groups gnomAD compares: Non-Finnish European, 0.00059%; no homozygotes.

Submission:

Labcorp Genetics (formerly Invitae), Labcorp
Classification: Uncertain significance for Glycogen storage disease type III. Last evaluated: 2022-08-16. Review status: criteria provided, single submitter. Criteria: Invitae Variant Classification Sherloc (09022015). Collection method: clinical testing. Allele origin: germline.
Comment: This variant has not been reported in the literature in individuals affected with AGL-related conditions. Algorithms developed to predict the effect of missense changes on protein structure and function output the following: SIFT: "Tolerated"; PolyPhen-2: "Benign"; Align-GVGD: "Class C0". The methionine amino acid residue is found in multiple mammalian species, which suggests that this missense change does not adversely affect protein function. In summary, the available evidence is currently insufficient to determine the role of this variant in disease. Therefore, it has been classified as a Variant of Uncertain Significance. This sequence change replaces isoleucine, which is neutral and non-polar, with methionine, which is neutral and non-polar, at codon 446 of the AGL protein (p.Ile446Met). This variant is not present in population databases (gnomAD no frequency).